The following is an entry in ClinVar:

ClinVar aggregate classification (germline): Pathogenic. Review status: criteria provided, multiple submitters, no conflicts (2 of 4 stars). 3 submissions from 3 submitters: Pathogenic (2). 1 of the submissions does not count toward it. Last evaluated 2023-11-28.

Conditions:
Walker-Warburg congenital muscular dystrophy. Also called: Muscular dystrophy-dystroglycanopathy, type A; Walker-Warburg syndrome. Identifiers: Orphanet 899, MedGen C0265221, MONDO:0000171.
Cardiovascular phenotype. Identifiers: MedGen CN230736.
Autosomal recessive limb-girdle muscular dystrophy type 2I. Also called: MUSCULAR DYSTROPHY, LIMB-GIRDLE, TYPE 2I; MUSCULAR DYSTROPHY-DYSTROGLYCANOPATHY (LIMB-GIRDLE), TYPE C, 5; MUSCULAR DYSTROPHY-DYSTROGLYCANOPATHY, LIMB-GIRDLE, FRKP-RELATED. Identifiers: Orphanet 34515, MedGen C1846672, MONDO:0011787, OMIM 607155.

Submissions (3):

Ambry Genetics
Classification: Pathogenic for Cardiovascular phenotype. Last evaluated: 2023-11-28. Review status: criteria provided, single submitter. Criteria: Ambry Variant Classification Scheme 2023. Collection method: clinical testing. Allele origin: germline.
Comment: The c.656delG pathogenic mutation, located in coding exon 1 of the FKRP gene, results from a deletion of one nucleotide at nucleotide position 656, causing a translational frameshift with a predicted alternate stop codon (p.G219Afs*20). This alteration occurs at the 3' terminus of theFKRP gene, is not expected to trigger nonsense-mediated mRNA decay, and impacts the last 56% of the protein. However, premature stop codons are typically deleterious in nature, a significant portion of the protein is affected, and the impacted region is critical for protein function (Ambry internal data). This variant is considered to be rare based on population cohorts in the Genome Aggregation Database (gnomAD). Based on the supporting evidence, this alteration is interpreted as a disease-causing mutation.

Labcorp Genetics (formerly Invitae), Labcorp
Classification: Pathogenic for Walker-Warburg congenital muscular dystrophy. Last evaluated: 2022-06-20. Review status: criteria provided, single submitter. Criteria: Invitae Variant Classification Sherloc (09022015). Collection method: clinical testing. Allele origin: germline.
Comment: For these reasons, this variant has been classified as Pathogenic. This variant disrupts a region of the FKRP protein in which other variant(s) (p.Ile478Thr) have been determined to be pathogenic (PMID: 16476814, 18639457, 19299310). This suggests that this is a clinically significant region of the protein, and that variants that disrupt it are likely to be disease-causing. ClinVar contains an entry for this variant (Variation ID: 550955). This variant has not been reported in the literature in individuals affected with FKRP-related conditions. This variant is not present in population databases (gnomAD no frequency). This sequence change creates a premature translational stop signal (p.Gly219Alafs*20) in the FKRP gene. While this is not anticipated to result in nonsense mediated decay, it is expected to disrupt the last 277 amino acid(s) of the FKRP protein.

Counsyl
Classification: Likely pathogenic for Autosomal recessive limb-girdle muscular dystrophy type 2I. Last evaluated: 2017-03-03. Review status: no assertion criteria provided. Collection method: clinical testing. Allele origin: unknown. Not counted in ClinVar's aggregate classification.

Literature cited by the submitters: PubMed 16476814 (cited by Labcorp Genetics (formerly Invitae), Labcorp); PubMed 18639457 (cited by Labcorp Genetics (formerly Invitae), Labcorp); PubMed 19299310 (cited by Labcorp Genetics (formerly Invitae), Labcorp).

NM_024301.5(FKRP):c.656del (p.Gly219fs)

Gene: FKRP (fukutin related protein; plus strand). Cytogenetic location: 19q13.32.
Variant type: Deletion.
Coding change: c.656del on transcript NM_024301.5 (MANE Select); coding-DNA position 656, one base deleted (G; older notation c.656delG).
Protein change: p.Gly219fs; shifts the reading frame from glycine 219.
Molecular consequence: frameshift variant.
Genome position (GRCh38, 1-based): chr19:46,756,106, G deleted; the last of 3 consecutive G bases (chr19:46,756,104-46,756,106); deleting any one gives the same sequence. VCF-style (leftmost placement, unchanged base first): chr19-46756103-TG-T. GRCh37 (hg19) VCF-style: chr19-47259360-TG-T.
Other names: c.656del, p.Gly219fs (NM_001039885.3); short protein forms G219fs.
Identifiers: ClinVar variation 550955 (VCV000550955.9), dbSNP rs1555738651, ClinGen allele CA658825101.